The following is an entry in ClinVar:

NM_006044.4(HDAC6):c.1679A>G (p.His560Arg)

Gene: HDAC6 (histone deacetylase 6; plus strand). Cytogenetic location: Xp11.23.
Variant type: single nucleotide variant.
Coding change: c.1679A>G on transcript NM_006044.4 (MANE Select); coding-DNA position 1679, A replaced by G.
Protein change: p.His560Arg; replaces histidine 560 with arginine.
Molecular consequence: missense variant. On other transcripts: non-coding transcript variant (1).
Genome position (GRCh38, 1-based): chrX:48,816,521, A>G. VCF-style: chrX-48816521-A-G. GRCh37 (hg19) VCF-style: chrX-48674928-A-G.
Other names: c.1721A>G, p.His574Arg (NM_001321225.2); c.1679A>G, p.His560Arg (NM_001321226.2, NM_001321227.2, NM_001321228.2 and 1 more transcripts); short protein forms H560R, H574R.
Identifiers: ClinVar variation 2660472 (VCV002660472.24), dbSNP rs782036783, ClinGen allele CA10405114.
Genomic context (GRCh38, chrX:48,816,521, plus strand): 5'-CCAGTGCTGAGTACGTGGGTCATCTCCGGGCCACAGAGAAAATGAAAACCCGGGAGCTGC[A>G]CCGTGAGAGTTCCAACTTTGACTCCATCTATATCTGCCCCAGTACCTTCGCCTGTGCACA-3'
Protein context (NP_006035.2, residues 550-570): ATEKMKTREL[His560Arg]RESSNFDSIY

ClinVar aggregate classification (germline): Likely benign (1 of 4 stars; one submission).

Allele frequency attached by ClinVar (database versions not stated): gnomAD 0.00005; ExAC 0.00006; TOPMed 0.00008; gnomAD exomes 0.00010.
gnomAD v4.1: 114 of 1,207,563 alleles (0.0094%); highest among the groups gnomAD compares: Non-Finnish European, 0.012%; no homozygotes.

Submission:

CeGaT Center for Human Genetics Tuebingen
Classification: Likely benign. Last evaluated: 2023-07-01. Review status: criteria provided, single submitter. Criteria: CeGaT Center For Human Genetics Tuebingen Variant Classification Criteria Version 2. Collection method: clinical testing. Allele origin: germline. Affected: yes. Observed: 2 variant alleles.
Comment: HDAC6: BS2